The following is an entry in ClinVar:

NM_015102.5(NPHP4):c.3530C>T (p.Pro1177Leu)

Gene: NPHP4 (nephrocystin 4; minus strand). Cytogenetic location: 1p36.31.
Variant type: single nucleotide variant.
Coding change: c.3530C>T on transcript NM_015102.5 (MANE Select); coding-DNA position 3530, C replaced by T.
Protein change: p.Pro1177Leu; replaces proline 1177 with leucine.
Molecular consequence: missense variant. On other transcripts: non-coding transcript variant (1).
Genome position (GRCh38, 1-based): chr1:5,867,058, G>A on the plus strand (C>T on the coding strand, the complement: NPHP4 is on the minus strand). VCF-style: chr1-5867058-G-A. GRCh37 (hg19) VCF-style: chr1-5927118-G-A.
Other names: c.3530C>T (NM_015102.3, NM_015102.4); c.1991C>T, p.Pro664Leu (NM_001291593.2); c.1994C>T, p.Pro665Leu (NM_001291594.2); short protein forms P1177L, P664L, P665L.
Identifiers: ClinVar variation 1008319 (VCV001008319.9), dbSNP rs749612555, ClinGen allele CA553572.
Genomic context (GRCh38, chr1:5,867,058, plus strand): 5'-TCTGCCTGAGCTGGGGCCACAACACAACCTACCACATTCTGGGTCTCACAGATGACGTTC[G>A]GGTCGCTGCAGCGAACATGGACTGGGGGGTCCTCACCAAGCATTCCCACCGGAGCACCTG-3'
Protein context (NP_055917.1, residues 1167-1187): DPPVHVRCSD[Pro1177Leu]NVICETQNVG

ClinVar aggregate classification (germline): Uncertain significance. Review status: criteria provided, multiple submitters, no conflicts (2 of 4 stars). 4 submissions from 4 submitters: Uncertain significance (4). Last evaluated 2025-10-23.

Conditions:
Inborn genetic diseases. Identifiers: MedGen C0950123, MeSH D030342.
Nephronophthisis. Also called: Juvenile Nephronophthisis. Identifiers: Orphanet 655, MedGen C0687120, MONDO:0019005, HP:0000090.
NPHP4-related disorder. Also called: NPHP4-related disorders; NPHP4-related condition. Identifiers: MedGen CN239384.
Senior-Loken syndrome 4 (SLSN4). Identifiers: Orphanet 3156, MedGen C1846979, MONDO:0011756, OMIM 606996.
Nephronophthisis 4 (NPHP4). Also called: NEPHRONOPHTHISIS 4, JUVENILE. Identifiers: Orphanet 655, MedGen C1847013, MONDO:0011752, OMIM 606966.

Allele frequency attached by ClinVar (database versions not stated): ExAC 0.00001; gnomAD 0.00001; gnomAD exomes 0.00002; TOPMed 0.00002.
gnomAD v4.1: 29 of 1,612,902 alleles (0.0018%); highest among the groups gnomAD compares: East Asian, 0.011%; 1 homozygote.

Submissions (4):

PreventionGenetics, part of Exact Sciences
Classification: Uncertain significance for NPHP4-related condition. Last evaluated: 2025-10-23. Review status: criteria provided, single submitter. Criteria: ACMG Guidelines, 2015. Collection method: clinical testing. Allele origin: germline.
Comment: The NPHP4 c.3530C>T variant is predicted to result in the amino acid substitution p.Pro1177Leu. To our knowledge, this variant has not been reported in the literature. This variant is reported in 0.0056% of alleles in individuals of East Asian descent in gnomAD. At this time, the clinical significance of this variant is uncertain due to the absence of conclusive functional and genetic evidence.

Ambry Genetics
Classification: Uncertain significance for Inborn genetic diseases. Last evaluated: 2025-08-12. Review status: criteria provided, single submitter. Criteria: Ambry Variant Classification Scheme 2023. Collection method: clinical testing. Allele origin: germline.

Labcorp Genetics (formerly Invitae), Labcorp
Classification: Uncertain significance for Nephronophthisis. Last evaluated: 2022-02-05. Review status: criteria provided, single submitter. Criteria: Invitae Variant Classification Sherloc (09022015). Collection method: clinical testing. Allele origin: germline.
Comment: This sequence change replaces proline, which is neutral and non-polar, with leucine, which is neutral and non-polar, at codon 1177 of the NPHP4 protein (p.Pro1177Leu). This variant is present in population databases (rs749612555, gnomAD 0.006%). This variant has not been reported in the literature in individuals affected with NPHP4-related conditions. ClinVar contains an entry for this variant (Variation ID: 1008319). Algorithms developed to predict the effect of missense changes on protein structure and function are either unavailable or do not agree on the potential impact of this missense change (SIFT: "Deleterious"; PolyPhen-2: "Possibly Damaging"; Align-GVGD: "Class C0"). In summary, the available evidence is currently insufficient to determine the role of this variant in disease. Therefore, it has been classified as a Variant of Uncertain Significance.

Fulgent Genetics
Classification: Uncertain significance for Nephronophthisis 4; Senior-Loken syndrome 4. Last evaluated: 2021-12-27. Review status: criteria provided, single submitter. Criteria: ACMG Guidelines, 2015. Collection method: clinical testing. Allele origin: unknown.